The following is an entry in ClinVar:

ClinVar aggregate classification (germline): Uncertain significance (1 of 4 stars; one submission).

Submission:

Dasa
Classification: Uncertain significance. Last evaluated: 2025-12-11. Review status: criteria provided, single submitter. Criteria: DASA Assertion Criteria. Collection method: clinical testing. Allele origin: germline.
Comment: NM_000460.4(THPO):c.481C>T (p.Arg161Cys) is a missense variant that results in the substitution of arginine with cysteine. This variant is rare in population databases. The currently available literature and clinical evidence are not sufficient to establish a definitive association between this variant and the reported condition. Therefore, this variant is classified as a variant of uncertain significance.

NM_000460.4(THPO):c.481C>T (p.Arg161Cys)

Gene: THPO (thrombopoietin; minus strand). Cytogenetic location: 3q27.1.
Variant type: single nucleotide variant.
Coding change: c.481C>T on transcript NM_000460.4 (MANE Select); coding-DNA position 481, C replaced by T.
Protein change: p.Arg161Cys; replaces arginine 161 with cysteine.
Molecular consequence: missense variant. On other transcripts: intron variant (2).
Genome position (GRCh38, 1-based): chr3:184,373,094, G>A on the plus strand (C>T on the coding strand, the complement: THPO is on the minus strand). VCF-style: chr3-184373094-G-A. GRCh37 (hg19) VCF-style: chr3-184090882-G-A.
Other names: c.469C>T, p.Arg157Cys (NM_001177597.2, NM_001290022.1); c.464C>T, p.Ala155Val (NM_001177598.2, NM_001290026.1); c.481C>T, p.Arg161Cys (NM_001289998.1, NM_001290028.1); c.901C>T, p.Arg301Cys (NM_001290003.1); c.477+4C>T (NM_001290027.1, NM_001289997.1); short protein forms A155V, R157C, R161C, R301C.
Identifiers: ClinVar variation 4882197 (VCV004882197.2).
Genomic context (GRCh38, chr3:184,373,094, plus strand): 5'-CTGTGGTGGGTGGGGCCCGCCTGACGCAGAGGGTGGACCCTCCTACAAGCATCAGGAAAC[G>A]CACCTTTCCTCGGAGCAGGTGTTGGAAGCTCAGGAAGATGGCATTGGGATCCTTGTGAGC-3'
Protein context (NP_000451.1, residues 151-171): SFQHLLRGKV[Arg161Cys]FLMLVGGSTL